The following is an entry in ClinVar:

NM_014244.5(ADAMTS2):c.79_80insCGCTCCTGC (p.Pro26_Leu27insProLeuLeu)

Gene: ADAMTS2 (ADAM metallopeptidase with thrombospondin type 1 motif 2; minus strand). Cytogenetic location: 5q35.3.
Variant type: Insertion.
Coding change: c.79_80insCGCTCCTGC on transcript NM_014244.5 (MANE Select); coding-DNA positions 79 to 80, CGCTCCTGC inserted.
Protein change: p.Pro26_Leu27insProLeuLeu.
Genome position: GRCh38 VCF-style: chr5-179345249-A-AGCAGGAGCG. GRCh37 (hg19) VCF-style: chr5-178772250-A-AGCAGGAGCG.
Other names: c.79_80insCGCTCCTGC, p.Pro26_Leu27insProLeuLeu (NM_021599.4).
Identifiers: ClinVar variation 3897146 (VCV003897146.1).
Genomic context (GRCh38, chr5:179,345,249, plus strand): 5'-CCTGGGGGGTCGGCGGCGGCGGCGAGCCTGGCGTTCGCGGGCGGCGGCGGCGGCGGCAGG[A>AGCAGGAGCG]GCGGCGGCGGCAGCAGCAGCAGCAGCAGCAGCAGCGCGGGGCAGAGCAGGCGGCGAGCGG-3'

ClinVar aggregate classification (germline): Uncertain significance (1 of 4 stars; one submission).

Submission:

GeneDx
Classification: Uncertain significance. Last evaluated: 2024-11-05. Review status: criteria provided, single submitter. Criteria: GeneDx Variant Classification Process June 2021. Collection method: clinical testing. Allele origin: germline. Affected: yes.
Comment: Not observed at significant frequency in large population cohorts (gnomAD); In-frame insertion of 3 amino acids in a non-repeat region; Has not been previously published as pathogenic or benign to our knowledge